The following is an entry in ClinVar:

NM_001370348.2(PHF3):c.523C>T (p.Gln175Ter)

Gene: PHF3 (PHD finger protein 3; plus strand). Cytogenetic location: 6q12.
Variant type: single nucleotide variant.
Coding change: c.523C>T on transcript NM_001370348.2 (MANE Select); coding-DNA position 523, C replaced by T.
Protein change: p.Gln175Ter; replaces glutamine 175 with a stop codon.
Molecular consequence: nonsense. On other transcripts: intron variant (1).
Genome position (GRCh38, 1-based): chr6:63,684,245, C>T. VCF-style: chr6-63684245-C-T. GRCh37 (hg19) VCF-style: chr6-64394146-C-T.
Other names: c.259C>T, p.Gln87Ter (NM_001290259.2, NM_001370349.2); c.523C>T, p.Gln175Ter (NM_001290260.2, NM_015153.4); c.-5+4084C>T (NM_001370350.2); short protein forms Q175*, Q87*.
Identifiers: ClinVar variation 3765701 (VCV003765701.1).

ClinVar aggregate classification (germline): Uncertain significance (1 of 4 stars; one submission).

Submission:

Greenwood Genetic Center Diagnostic Laboratories, Greenwood Genetic Center
Classification: Uncertain significance. Last evaluated: 2024-10-09. Review status: criteria provided, single submitter. Criteria: ACMG Guidelines, 2015. Collection method: clinical testing. Allele origin: germline. Affected: yes.
Comment: Gene of Uncertain Significance